The following is an entry in ClinVar:

ClinVar aggregate classification (germline): Uncertain significance (1 of 4 stars; one submission).

Conditions:
Hereditary breast ovarian cancer syndrome. Also called: Hereditary breast and/or ovarian cancer syndrome; Hereditary breast and ovarian cancer syndrome; Breast and ovarian cancer; Hereditary breast and ovarian cancer syndrome (HBOC); BRCA1- and BRCA2-Associated Hereditary Breast and Ovarian Cancer; Hereditary breast and ovarian cancer. Identifiers: Orphanet 145, MedGen C0677776, MeSH D061325, MONDO:0003582. Disease mechanism: loss of function.

Submission:

Labcorp Genetics (formerly Invitae), Labcorp
Classification: Uncertain significance for Hereditary breast ovarian cancer syndrome. Last evaluated: 2025-10-25. Review status: criteria provided, single submitter. Criteria: Invitae Variant Classification Sherloc (09022015). Collection method: clinical testing. Allele origin: germline.
Comment: This sequence change affects codon 284 of the BRCA2 mRNA. It is a 'silent' change, meaning that it does not change the encoded amino acid sequence of the BRCA2 protein. This variant is not present in population databases (gnomAD no frequency). This variant has not been reported in the literature in individuals affected with BRCA2-related conditions. Algorithms developed to predict the effect of sequence changes on RNA splicing suggest that this variant may create or strengthen a splice site. In summary, the available evidence is currently insufficient to determine the role of this variant in disease. Therefore, it has been classified as a Variant of Uncertain Significance.

NM_000059.4(BRCA2):c.852A>T (p.Gly284=)

Gene: BRCA2 (BRCA2 DNA repair associated; plus strand). Cytogenetic location: 13q13.1.
Variant type: single nucleotide variant.
Coding change: c.852A>T on transcript NM_000059.4 (MANE Select); coding-DNA position 852, A replaced by T.
Protein change: p.Gly284=; no amino-acid change (glycine 284 retained).
Molecular consequence: synonymous variant. On other transcripts: non-coding transcript variant (1), intron variant (1).
Genome position (GRCh38, 1-based): chr13:32,332,330, A>T. VCF-style: chr13-32332330-A-T. GRCh37 (hg19) VCF-style: chr13-32906467-A-T.
Other names: c.852A>T, p.Gly284= (NM_001406719.1, NM_001406720.1, NM_001406721.1 and 1 more transcripts); c.424+1300A>T (NM_001406722.1).
Identifiers: ClinVar variation 4729827 (VCV004729827.1).